The following is an entry in ClinVar:

NM_198253.3(TERT):c.892T>C (p.Ser298Pro)

Gene: TERT (telomerase reverse transcriptase; minus strand). Cytogenetic location: 5p15.33.
Variant type: single nucleotide variant.
Coding change: c.892T>C on transcript NM_198253.3 (MANE Select); coding-DNA position 892, T replaced by C.
Protein change: p.Ser298Pro; replaces serine 298 with proline.
Molecular consequence: missense variant. On other transcripts: non-coding transcript variant (2).
Genome position (GRCh38, 1-based): chr5:1,293,994, A>G on the plus strand (T>C on the coding strand, the complement: TERT is on the minus strand). VCF-style: chr5-1293994-A-G. GRCh37 (hg19) VCF-style: chr5-1294109-A-G.
Other names: c.892T>C, p.Ser298Pro (NM_001193376.3, NM_003219.1); short protein forms S298P.
Identifiers: ClinVar variation 1910554 (VCV001910554.6), dbSNP rs1334806555, ClinGen allele CA359056277.

ClinVar aggregate classification (germline): Uncertain significance. Review status: criteria provided, multiple submitters, no conflicts (2 of 4 stars). 2 submissions from 2 submitters: Uncertain significance (2). Last evaluated 2023-05-04.

Conditions:
Dyskeratosis congenita. Identifiers: Orphanet 1775, MedGen C0265965, MONDO:0015780.
Idiopathic Pulmonary Fibrosis. Also called: Idiopathic fibrosing alveolitis, chronic form; idiopathic fibrosing alveolitis. Identifiers: Orphanet 2032, MedGen C1800706, MeSH D054990, MONDO:0800504.
Dyskeratosis congenita, autosomal dominant 2. Identifiers: MedGen C3151443, MONDO:0013521, OMIM 613989.

gnomAD v4.1: 1 of 1,576,024 alleles (0.000063%); highest among the groups gnomAD compares: Non-Finnish European, 0.000086%; no homozygotes.

Submissions (2):

Ambry Genetics
Classification: Uncertain significance for Dyskeratosis congenita. Last evaluated: 2023-05-04. Review status: criteria provided, single submitter. Criteria: Ambry Variant Classification Scheme 2023. Collection method: clinical testing. Allele origin: germline.
Comment: The p.S298P variant (also known as c.892T>C), located in coding exon 2 of the TERT gene, results from a T to C substitution at nucleotide position 892. The serine at codon 298 is replaced by proline, an amino acid with similar properties. This amino acid position is conserved. In addition, this alteration is predicted to be tolerated by in silico analysis. Since supporting evidence is limited at this time, the clinical significance of this alteration remains unclear.

Labcorp Genetics (formerly Invitae), Labcorp
Classification: Uncertain significance for Dyskeratosis congenita, autosomal dominant 2; Idiopathic Pulmonary Fibrosis. Last evaluated: 2022-03-16. Review status: criteria provided, single submitter. Criteria: Invitae Variant Classification Sherloc (09022015). Collection method: clinical testing. Allele origin: germline.
Comment: This sequence change replaces serine, which is neutral and polar, with proline, which is neutral and non-polar, at codon 298 of the TERT protein (p.Ser298Pro). This variant is not present in population databases (gnomAD no frequency). This variant has not been reported in the literature in individuals affected with TERT-related conditions. Advanced modeling of protein sequence and biophysical properties (such as structural, functional, and spatial information, amino acid conservation, physicochemical variation, residue mobility, and thermodynamic stability) performed at Invitae indicates that this missense variant is not expected to disrupt TERT protein function. In summary, the available evidence is currently insufficient to determine the role of this variant in disease. Therefore, it has been classified as a Variant of Uncertain Significance.